The following is an entry in ClinVar:

NM_021975.4(RELA):c.350dup (p.Ile118fs)

Gene: RELA (RELA proto-oncogene, NF-kB subunit; minus strand). Cytogenetic location: 11q13.1.
Variant type: Duplication.
Coding change: c.350dup on transcript NM_021975.4 (MANE Select); coding-DNA position 350, one base duplicated (G; older notation c.350dupG).
Protein change: p.Ile118fs; shifts the reading frame from isoleucine 118.
Molecular consequence: frameshift variant. On other transcripts: intron variant (1).
Genome position (GRCh38, 1-based): chr11:65,660,201, C duplicated on the plus strand (G on the coding strand, the reverse complement: RELA is on the minus strand); the first of 3 consecutive C bases (chr11:65,660,201-65,660,203); duplicating any one gives the same sequence. VCF-style (leftmost placement, unchanged base first): chr11-65660200-T-TC. GRCh37 (hg19) VCF-style: chr11-65427671-T-TC.
Other names: c.350dup, p.Ile118fs (NM_001145138.2, NM_001243984.2, NM_001243985.2 and 2 more transcripts); c.383dup, p.Ile129fs (NM_001404657.1); c.323dup, p.Ile109fs (NM_001404658.1); c.257dup, p.Ile87fs (NM_001404662.1, NM_001404663.1); c.47-404dup (NM_001404661.1); short protein forms I87fs, I109fs, I118fs, I129fs.
Identifiers: ClinVar variation 4725318 (VCV004725318.1).

ClinVar aggregate classification (germline): Pathogenic (1 of 4 stars; one submission).

Submission:

Labcorp Genetics (formerly Invitae), Labcorp
Classification: Pathogenic. Last evaluated: 2025-08-17. Review status: criteria provided, single submitter. Criteria: Invitae Variant Classification Sherloc (09022015). Collection method: clinical testing. Allele origin: germline.
Comment: This sequence change creates a premature translational stop signal (p.Ile118Asnfs*68) in the RELA gene. It is expected to result in an absent or disrupted protein product. Loss-of-function variants in RELA are known to be pathogenic (PMID: 28600438). This variant is not present in population databases (gnomAD no frequency). This variant has not been reported in the literature in individuals affected with RELA-related conditions. For these reasons, this variant has been classified as Pathogenic.

Literature cited by the submitters: PubMed 28600438.